The following is an entry in ClinVar:

NM_001206927.2(DNAH8):c.2716A>G (p.Thr906Ala)

Gene: DNAH8 (dynein axonemal heavy chain 8; plus strand). Cytogenetic location: 6p21.2.
Variant type: single nucleotide variant.
Coding change: c.2716A>G on transcript NM_001206927.2 (MANE Select); coding-DNA position 2716, A replaced by G.
Protein change: p.Thr906Ala; replaces threonine 906 with alanine.
Molecular consequence: missense variant.
Genome position (GRCh38, 1-based): chr6:38,790,340, A>G. VCF-style: chr6-38790340-A-G. GRCh37 (hg19) VCF-style: chr6-38758116-A-G.
Other names: c.2065A>G, p.Thr689Ala (NM_001371.4); short protein forms T906A, T689A.
Identifiers: ClinVar variation 576702 (VCV000576702.9), dbSNP rs769310274, ClinGen allele CA3788602.

ClinVar aggregate classification (germline): Uncertain significance (1 of 4 stars; one submission).

Conditions:
Primary ciliary dyskinesia. Also called: Ciliary dyskinesia. Identifiers: Orphanet 244, MedGen C0008780, MONDO:0016575, HP:0012265.

Allele frequency attached by ClinVar (database versions not stated): gnomAD exomes below 0.00001 and 0.00001; ExAC 0.00001; gnomAD 0.00004; TOPMed 0.00007.
gnomAD v4.1: 9 of 1,608,908 alleles (0.00056%); highest among the groups gnomAD compares: African/African-American, 0.012%; no homozygotes.

Submission:

Labcorp Genetics (formerly Invitae), Labcorp
Classification: Uncertain significance for Primary ciliary dyskinesia. Last evaluated: 2018-01-06. Review status: criteria provided, single submitter. Criteria: Invitae Variant Classification Sherloc (09022015). Collection method: clinical testing. Allele origin: germline.
Comment: Algorithms developed to predict the effect of missense changes on protein structure and function agree on the potential impact of this missense change (SIFT: "Tolerated"; Align-GVGD: "Class C0"). Algorithms developed to predict the effect of sequence changes on RNA splicing suggest that this variant may create or strengthen a splice site, but this prediction has not been confirmed by published transcriptional studies. In summary, the available evidence is currently insufficient to determine the role of this variant in disease. Therefore, it has been classified as a Variant of Uncertain Significance. This variant has not been reported in the literature in individuals with DNAH8-related disease. This sequence change replaces threonine with alanine at codon 906 of the DNAH8 protein (p.Thr906Ala). The threonine residue is moderately conserved and there is a small physicochemical difference between threonine and alanine. This variant is present in population databases (rs769310274, ExAC 0.01%).